The following is an entry in ClinVar:

ClinVar aggregate classification (germline): Likely benign. Review status: criteria provided, multiple submitters, no conflicts (2 of 4 stars). 3 submissions from 3 submitters: Likely benign (3). Last evaluated 2023-09-09.

Conditions:
Alacrima, achalasia, and impaired intellectual development syndrome. Also called: Alacrima, achalasia, and intellectual disability syndrome; Alacrima, achalasia, and mental retardation syndrome. Identifiers: Orphanet 869, MedGen C4706563, MONDO:0014219, OMIM 615510.

Allele frequency attached by ClinVar (database versions not stated): gnomAD 0.00003 and 0.00009; gnomAD exomes 0.00006 and 0.00003; 1000 Genomes Project 0.00080; TOPMed 0.00007; ExAC 0.00008; ESP Exome Variant Server 0.00008; 1000 Genomes Project 30x 0.00062.
gnomAD v4.1: 60 of 1,610,348 alleles (0.0037%); highest among the groups gnomAD compares: South Asian, 0.03%; no homozygotes.

Submissions (3):

Labcorp Genetics (formerly Invitae), Labcorp
Classification: Likely benign for Alacrima, achalasia, and impaired intellectual development syndrome. Last evaluated: 2023-09-09. Review status: criteria provided, single submitter. Criteria: Invitae Variant Classification Sherloc (09022015). Collection method: clinical testing. Allele origin: germline.

Fulgent Genetics
Classification: Likely benign for Alacrima, achalasia, and impaired intellectual development syndrome. Last evaluated: 2022-04-14. Review status: criteria provided, single submitter. Criteria: ACMG Guidelines, 2015. Collection method: clinical testing. Allele origin: unknown.

GeneDx
Classification: Likely benign. Last evaluated: 2017-09-05. Review status: criteria provided, single submitter. Criteria: GeneDx Variant Classification (06012015). Collection method: clinical testing. Allele origin: germline. Affected: yes.
Comment: This variant is considered likely benign or benign based on one or more of the following criteria: it is a conservative change, it occurs at a poorly conserved position in the protein, it is predicted to be benign by multiple in silico algorithms, and/or has population frequency not consistent with disease.

NM_013335.4(GMPPA):c.876C>T (p.Thr292=)

Genes: ASIC4-AS1 (ASIC4 antisense RNA 1; minus strand), GMPPA (GDP-mannose pyrophosphorylase A; plus strand). Cytogenetic location: 2q35.
Variant type: single nucleotide variant.
Coding change: c.876C>T on transcript NM_013335.4 (MANE Select); coding-DNA position 876, C replaced by T.
Protein change: p.Thr292=; no amino-acid change (threonine 292 retained).
Molecular consequence: synonymous variant.
Genome position (GRCh38, 1-based): chr2:219,505,737, C>T. VCF-style: chr2-219505737-C-T. GRCh37 (hg19) VCF-style: chr2-220370459-C-T.
Other names: c.876C>T, p.Thr292= (NM_205847.3).
Identifiers: ClinVar variation 511929 (VCV000511929.5), dbSNP rs371527019, ClinGen allele CA2128335.
Genomic context (GRCh38, chr2:219,505,737, plus strand): 5'-TGGGATATTTGCCCCCAGGGCCTCTCTTCTGCTTCTAGGGAATGTGTACATCCACCCGAC[C>T]GCCAAGGTGGCCCCCTCGGCTGTGGTGAGCACTGGTCCCAGCCCCAGGGAGGGAAGGGTG-3'
Protein context (NP_037467.2, residues 282-302): WIRGNVYIHP[Thr292=]AKVAPSAVLG